The following is an entry in ClinVar:

ClinVar aggregate classification (germline): Uncertain significance (1 of 4 stars; one submission).

Conditions:
Hyperinsulinism due to INSR deficiency. Also called: Hyperinsulinism due to glutamodehydrogenase deficiency. Identifiers: Orphanet 263458, MedGen C1864952, MONDO:0012381, OMIM 609968.

gnomAD v4.1: 1 of 1,613,858 alleles (0.000062%); highest among the groups gnomAD compares: Non-Finnish European, 0.000085%; no homozygotes.

Submissions (2):

Clinical Genomics Laboratory, Washington University in St. Louis
Classification: Uncertain significance for Hyperinsulinism due to INSR deficiency. Last evaluated: 2024-06-22. Review status: criteria provided, single submitter. Criteria: ACMG Guidelines, 2015. Collection method: clinical testing. Allele origin: germline.
Comment: An INSR c.1610+5G>A variant was identified. This variant, to our knowledge, has not been reported in the medical literature and is absent from the general population (gnomAD v.2.1.1), indicating it is not a common variant. Computational predictors indicate that the variant is damaging, evidence that may correlate with impact to INSR function. Due to limited information, and based on ACMG/AMP guidelines for variant interpretation (Richards S et al., PMID: 25741868), the clinical significance of this variant is uncertain at this time.

Dr. Peter K. Rogan Lab, Western University
No classification provided (evidence only). Condition: Ovarian serous cystadenocarcinoma. Review status: no classification provided. Collection method: in vitro. Allele origin: not applicable. Functional consequence: retained intron. Not counted in ClinVar's aggregate classification.

NM_000208.4(INSR):c.1610+5G>A

Gene: INSR (insulin receptor; minus strand). Cytogenetic location: 19p13.2.
Variant type: single nucleotide variant.
Coding change: c.1610+5G>A on transcript NM_000208.4 (MANE Select); 5 bases into the intron after coding-DNA position 1610, G replaced by A.
Molecular consequence: intron variant.
Genome position (GRCh38, 1-based): chr19:7,167,963, C>T on the plus strand (G>A on the coding strand, the complement: INSR is on the minus strand). VCF-style: chr19-7167963-C-T. GRCh37 (hg19) VCF-style: chr19-7167974-C-T.
Other names: NC_000019.9:g.7167974C>T; c.1610+5G>A (NM_001079817.3).
Identifiers: ClinVar variation 3600399 (VCV003600399.2).